The following is an entry in ClinVar:

NM_017780.4(CHD7):c.2922G>A (p.Glu974=)

Gene: CHD7 (chromodomain helicase DNA binding protein 7; plus strand). Cytogenetic location: 8q12.2.
Variant type: single nucleotide variant.
Coding change: c.2922G>A on transcript NM_017780.4 (MANE Select); coding-DNA position 2922, G replaced by A.
Protein change: p.Glu974=; no amino-acid change (glutamic acid 974 retained).
Molecular consequence: synonymous variant. On other transcripts: intron variant (1).
Genome position (GRCh38, 1-based): chr8:60,822,110, G>A. VCF-style: chr8-60822110-G-A. GRCh37 (hg19) VCF-style: chr8-61734669-G-A.
Other names: c.1717-40119G>A (NM_001316690.1).
Identifiers: ClinVar variation 3054174 (VCV003054174.4), dbSNP rs1278202176, ClinGen allele CA460845823.

ClinVar aggregate classification (germline): Likely benign. Review status: criteria provided, single submitter (1 of 4 stars). 2 submissions from 2 submitters: Likely benign (1). 1 of the submissions does not count toward it. Last evaluated 2024-06-11.

Conditions:
CHD7-related disorder. Also called: CHD7-related condition.
CHARGE syndrome (CHARGE). Also called: Hittner Hirsch Kreh syndrome; CHARGE ASSOCIATION--COLOBOMA, HEART ANOMALY, CHOANAL ATRESIA, RETARDATION, GENITAL AND EAR ANOMALIES; Coloboma, heart anomaly, choanal atresia, retardation, genital and ear anomalies; CHARGE association; Hall-Hittner syndrome. Identifiers: Orphanet 138, MedGen C0265354, MONDO:0008965.

Allele frequency attached by ClinVar (database versions not stated): gnomAD exomes below 0.00001; TOPMed below 0.00001; gnomAD 0.00001.
gnomAD v4.1: 3 of 1,613,534 alleles (0.00019%); highest among the groups gnomAD compares: African/African-American, 0.0027%; no homozygotes.

Submissions (2):

Labcorp Genetics (formerly Invitae), Labcorp
Classification: Likely benign for CHARGE syndrome. Last evaluated: 2024-06-11. Review status: criteria provided, single submitter. Criteria: Invitae Variant Classification Sherloc (09022015). Collection method: clinical testing. Allele origin: germline.

PreventionGenetics, part of Exact Sciences
Classification: Likely benign for CHD7-related condition. Last evaluated: 2022-09-03. Review status: no assertion criteria provided. Collection method: clinical testing. Allele origin: germline. Not counted in ClinVar's aggregate classification.
Comment: This variant is classified as likely benign based on ACMG/AMP sequence variant interpretation guidelines (Richards et al. 2015 PMID: 25741868, with internal and published modifications).